The following is an entry in ClinVar:

ClinVar aggregate classification (germline): Uncertain significance. Review status: criteria provided, multiple submitters, no conflicts (2 of 4 stars). 2 submissions from 2 submitters: Uncertain significance (2). Last evaluated 2023-01-01.

Conditions:
Hereditary cancer-predisposing syndrome. Also called: Tumor predisposition; Hereditary neoplastic syndrome; Hereditary Cancer Syndrome; Neoplastic Syndromes, Hereditary. Identifiers: Orphanet 140162, MedGen C0027672, MeSH D009386, MONDO:0015356.
Familial adenomatous polyposis 1 (FAP1). Also called: POLYPOSIS, ADENOMATOUS INTESTINAL; FAMILIAL ADENOMATOUS POLYPOSIS 1, ATTENUATED. Identifiers: MedGen C2713442, MONDO:0021056, OMIM 175100. Disease mechanism: loss of function.

Submissions (2):

Ambry Genetics
Classification: Uncertain significance for Hereditary cancer-predisposing syndrome. Last evaluated: 2023-01-01. Review status: criteria provided, single submitter. Criteria: Ambry Variant Classification Scheme 2023. Collection method: clinical testing. Allele origin: germline.
Comment: The p.P448R variant (also known as c.1343C>G), located in coding exon 10 of the APC gene, results from a C to G substitution at nucleotide position 1343. The proline at codon 448 is replaced by arginine, an amino acid with dissimilar properties. This amino acid position is conserved. In addition, in silico predictors for this gene do not accurately predict pathogenicity. Since supporting evidence is limited at this time, the clinical significance of this alteration remains unclear.

Labcorp Genetics (formerly Invitae), Labcorp
Classification: Uncertain significance for Familial adenomatous polyposis 1. Last evaluated: 2020-01-17. Review status: criteria provided, single submitter. Criteria: Invitae Variant Classification Sherloc (09022015). Collection method: clinical testing. Allele origin: germline.
Comment: This variant has not been reported in the literature in individuals with APC-related disease. This variant is not present in population databases (ExAC no frequency). This sequence change replaces proline with arginine at codon 448 of the APC protein (p.Pro448Arg). The proline residue is highly conserved and there is a moderate physicochemical difference between proline and arginine. Algorithms developed to predict the effect of missense changes on protein structure and function do not agree on the potential impact of this missense change (SIFT: "Deleterious"; PolyPhen-2: "Possibly Damaging"; Align-GVGD: "Class C0"). In summary, the available evidence is currently insufficient to determine the role of this variant in disease. Therefore, it has been classified as a Variant of Uncertain Significance.

NM_000038.6(APC):c.1343C>G (p.Pro448Arg)

Gene: APC (APC regulator of Wnt signaling pathway; plus strand). Cytogenetic location: 5q22.2.
Variant type: single nucleotide variant.
Coding change: c.1343C>G on transcript NM_000038.6 (MANE Select); coding-DNA position 1343, C replaced by G.
Protein change: p.Pro448Arg; replaces proline 448 with arginine.
Molecular consequence: missense variant.
Genome position (GRCh38, 1-based): chr5:112,821,926, C>G. VCF-style: chr5-112821926-C-G. GRCh37 (hg19) VCF-style: chr5-112157623-C-G.
Other names: c.965C>G, p.Pro322Arg (NM_001354904.2); c.863C>G, p.Pro288Arg (NM_001354905.2); c.494C>G, p.Pro165Arg (NM_001354906.2); c.1343C>G, p.Pro448Arg (NM_001127510.3, NM_001354895.2, NM_001354896.2); c.1289C>G, p.Pro430Arg (NM_001127511.3); c.1373C>G, p.Pro458Arg (NM_001354897.2); c.1268C>G, p.Pro423Arg (NM_001354898.2); c.1259C>G, p.Pro420Arg (NM_001354899.2); and 3 more; short protein forms P430R, P448R, P165R, P288R, P322R, P357R, P423R, P458R.
Identifiers: ClinVar variation 577692 (VCV000577692.12), dbSNP rs1561545979, ClinGen allele CA16024247.